The following is an entry in ClinVar:

NM_198576.4(AGRN):c.711C>T (p.Leu237=)

Genes: AGRN (agrin; plus strand), LOC129929077 (ATAC-STARR-seq lymphoblastoid silent region 23; plus strand). Cytogenetic location: 1p36.33.
Variant type: single nucleotide variant.
Coding change: c.711C>T on transcript NM_198576.4 (MANE Select); coding-DNA position 711, C replaced by T.
Protein change: p.Leu237=; no amino-acid change (leucine 237 retained).
Molecular consequence: synonymous variant.
Genome position (GRCh38, 1-based): chr1:1,040,864, C>T. VCF-style: chr1-1040864-C-T. GRCh37 (hg19) VCF-style: chr1-976244-C-T.
Other names: c.711C>T, p.Leu237= (NM_001305275.2); c.396C>T, p.Leu132= (NM_001364727.2).
Identifiers: ClinVar variation 1142259 (VCV001142259.17), dbSNP rs779843530, ClinGen allele CA507895.
Genomic context (GRCh38, chr1:1,040,864, plus strand): 5'-CAGCAACGAATGCGAGCTGCAGCGGGCGCAGTGCAGCCAGCAGCGCCGCATCCGCCTGCT[C>T]AGCCGCGGGCCGTGCGGTGAGCGGGGCGGGGCCGGTGCCTGGGGCGGGGAGGGGCGGGGC-3'
Protein context (NP_940978.2, residues 227-247): QCSQQRRIRL[Leu237=]SRGPCGSRDP

ClinVar aggregate classification (germline): Likely benign. Review status: criteria provided, multiple submitters, no conflicts (2 of 4 stars). 2 submissions from 2 submitters: Likely benign (2). Last evaluated 2026-01-06.

Conditions:
Congenital myasthenic syndrome 8. Also called: Myasthenic syndrome, congenital, 8, with pre- and postsynaptic defects; MYASTHENIC SYNDROME, CONGENITAL, DUE TO AGRIN DEFICIENCY. Identifiers: Orphanet 590, MedGen C3808739, MONDO:0014052, OMIM 615120.

Allele frequency attached by ClinVar (database versions not stated): gnomAD exomes 0.00004.
gnomAD v4.1: 60 of 1,521,796 alleles (0.0039%); highest among the groups gnomAD compares: Non-Finnish European, 0.005%; no homozygotes.

Submissions (2):

Labcorp Genetics (formerly Invitae), Labcorp
Classification: Likely benign for Congenital myasthenic syndrome 8. Last evaluated: 2026-01-06. Review status: criteria provided, single submitter. Criteria: Invitae Variant Classification Sherloc (09022015). Collection method: clinical testing. Allele origin: germline.

CeGaT Center for Human Genetics Tuebingen
Classification: Likely benign. Last evaluated: 2025-08-01. Review status: criteria provided, single submitter. Criteria: CeGaT Center For Human Genetics Tuebingen Variant Classification Criteria Version 2. Collection method: clinical testing. Allele origin: germline. Affected: yes. Observed: 1 variant allele.
Comment: AGRN: BP4, BP7